The following is an entry in ClinVar:

ClinVar aggregate classification (germline): Uncertain significance. Review status: criteria provided, multiple submitters, no conflicts (2 of 4 stars). 3 submissions from 3 submitters: Uncertain significance (3). Last evaluated 2022-02-03.

Conditions:
Autosomal recessive nonsyndromic hearing loss 3. Also called: NEUROSENSORY NONSYNDROMIC RECESSIVE DEAFNESS 3. Identifiers: Orphanet 90636, MedGen C1838263, MONDO:0010860, OMIM 600316.

Allele frequency attached by ClinVar (database versions not stated): gnomAD 0.00002 and 0.00003; TOPMed 0.00003; 1000 Genomes Project 30x 0.00016.
gnomAD v4.1: 28 of 1,612,972 alleles (0.0017%); highest among the groups gnomAD compares: East Asian, 0.036%; no homozygotes.

Submissions (3):

Labcorp Genetics (formerly Invitae), Labcorp
Classification: Uncertain significance. Last evaluated: 2022-02-03. Review status: criteria provided, single submitter. Criteria: Invitae Variant Classification Sherloc (09022015). Collection method: clinical testing. Allele origin: germline.
Comment: This sequence change replaces arginine, which is basic and polar, with histidine, which is basic and polar, at codon 2817 of the MYO15A protein (p.Arg2817His). This variant is present in population databases (rs761861080, gnomAD 0.01%). This missense change has been observed in individual(s) with nonsyndromic deafness (PMID: 24853665). ClinVar contains an entry for this variant (Variation ID: 505250). Advanced modeling of protein sequence and biophysical properties (such as structural, functional, and spatial information, amino acid conservation, physicochemical variation, residue mobility, and thermodynamic stability) performed at Invitae indicates that this missense variant is not expected to disrupt MYO15A protein function. In summary, the available evidence is currently insufficient to determine the role of this variant in disease. Therefore, it has been classified as a Variant of Uncertain Significance.

Fulgent Genetics
Classification: Uncertain significance for Autosomal recessive nonsyndromic hearing loss 3. Last evaluated: 2021-10-12. Review status: criteria provided, single submitter. Criteria: ACMG Guidelines, 2015. Collection method: clinical testing. Allele origin: unknown.

Laboratory for Molecular Medicine, Mass General Brigham Personalized Medicine
Classification: Uncertain significance. Last evaluated: 2016-07-21. Review status: criteria provided, single submitter. Criteria: LMM Criteria. Collection method: clinical testing. Allele origin: germline. Observed: 1 variant allele.
Comment: It has also been identified in 2/8580 East Asian chromosomes by the Exom e Aggregation Consortium (ExAC; dbSNP rs76186108 0). Although this variant has been seen in the general population, its frequency is not high enough to rule out a pathogenic role. The arginine (Arg) at positio n 2817 is not conserved in mammals or evolutionarily distant species. Of note, 1 mammal (Guinea pig) carries a histidine (His) at this position despite high nea rby amino acid conservation, raising the possibility that this change may be tol erated. Additional computational prediction tools suggest that the variant may n ot impact the protein, though this information is not predictive enough to rule out pathogenicity. In summary, the clinical significance of the p.Arg2817His var iant is uncertain.

Literature cited by the submitters: PubMed 24853665 (cited by Labcorp Genetics (formerly Invitae), Labcorp and Laboratory for Molecular Medicine, Mass General Brigham Personalized Medicine); PubMed 27375115 (cited by Laboratory for Molecular Medicine, Mass General Brigham Personalized Medicine).

NM_016239.4(MYO15A):c.8450G>A (p.Arg2817His)

Gene: MYO15A (myosin XVA; plus strand). Cytogenetic location: 17p11.2.
Variant type: single nucleotide variant.
Coding change: c.8450G>A on transcript NM_016239.4 (MANE Select); coding-DNA position 8450, G replaced by A.
Protein change: p.Arg2817His; replaces arginine 2817 with histidine.
Molecular consequence: missense variant.
Genome position (GRCh38, 1-based): chr17:18,155,423, G>A. VCF-style: chr17-18155423-G-A. GRCh37 (hg19) VCF-style: chr17-18058737-G-A.
Other names: short protein forms R2817H.
Identifiers: ClinVar variation 505250 (VCV000505250.10), dbSNP rs761861080, ClinGen allele CA8425167.